The following is an entry in ClinVar:

NM_022114.4(PRDM16):c.2804C>T (p.Pro935Leu)

Gene: PRDM16 (PR/SET domain 16; plus strand). Cytogenetic location: 1p36.32.
Variant type: single nucleotide variant.
Coding change: c.2804C>T on transcript NM_022114.4 (MANE Select); coding-DNA position 2804, C replaced by T.
Protein change: p.Pro935Leu; replaces proline 935 with leucine.
Molecular consequence: missense variant.
Genome position (GRCh38, 1-based): chr1:3,417,940, C>T. VCF-style: chr1-3417940-C-T. GRCh37 (hg19) VCF-style: chr1-3334504-C-T.
Other names: c.2804C>T, p.Pro935Leu (NM_199454.3); short protein forms P935L.
Identifiers: ClinVar variation 1699153 (VCV001699153.5), dbSNP rs2100676170, ClinGen allele CA338001547.
Genomic context (GRCh38, chr1:3,417,940, plus strand): 5'-AGGCGGACTCGGGCAGCTCCCTGCAGCCCCTCCCCCACCACCCCTTCAACTTCCGGTCCC[C>T]ACCCCCAACGCTCTCCGACCCCATCCTCAGGAAGGGCAAGGAGCGATACACGTGCAGGTG-3'
Protein context (NP_071397.3, residues 925-945): LPHHPFNFRS[Pro935Leu]PPTLSDPILR

ClinVar aggregate classification (germline): Uncertain significance. Review status: criteria provided, multiple submitters, no conflicts (2 of 4 stars). 2 submissions from 2 submitters: Uncertain significance (2). Last evaluated 2024-06-24.

Conditions:
Left ventricular noncompaction 8 (LVNC8). Identifiers: Orphanet 154, Orphanet 54260, MedGen C3809288, MONDO:0014152, OMIM 615373.

Allele frequency attached by ClinVar (database versions not stated): gnomAD exomes below 0.00001.
gnomAD v4.1: 1 of 1,613,180 alleles (0.000062%); highest among the groups gnomAD compares: African/African-American, 0.0013%; no homozygotes.

Submissions (2):

Labcorp Genetics (formerly Invitae), Labcorp
Classification: Uncertain significance for Left ventricular noncompaction 8. Last evaluated: 2024-06-24. Review status: criteria provided, single submitter. Criteria: Invitae Variant Classification Sherloc (09022015). Collection method: clinical testing. Allele origin: germline.
Comment: This sequence change replaces proline, which is neutral and non-polar, with leucine, which is neutral and non-polar, at codon 935 of the PRDM16 protein (p.Pro935Leu). This variant is not present in population databases (gnomAD no frequency). This variant has not been reported in the literature in individuals affected with PRDM16-related conditions. ClinVar contains an entry for this variant (Variation ID: 1699153). An algorithm developed to predict the effect of missense changes on protein structure and function (PolyPhen-2) suggests that this variant is likely to be tolerated. In summary, the available evidence is currently insufficient to determine the role of this variant in disease. Therefore, it has been classified as a Variant of Uncertain Significance.

Victorian Clinical Genetics Services, Murdoch Childrens Research Institute
Classification: Uncertain significance for Left ventricular noncompaction 8. Last evaluated: 2020-10-19. Review status: criteria provided, single submitter. Criteria: ACMG Guidelines, 2015. Collection method: clinical testing. Allele origin: germline. Inheritance: Autosomal dominant inheritance.
Comment: Based on the classification scheme VCGS_Germline_v1.3.3, this variant is classified as 3C-VUS. Following criteria are met: 0102 - Loss of function is a known mechanism of disease in this gene and is associated with left ventricular noncompaction and cardiomyopathy. (I) 0107 - This gene is associated with autosomal dominant disease. (I) 0200 - Variant is predicted to result in a missense amino acid change from proline to leucine. (I) 0252 - This variant is homozygous. (I) 0301 - Variant is absent from gnomAD (both v2 and v3). (SP) 0502 - Missense variant with conflicting in silico predictions and uninformative conservation. (I) 0604 - Variant is not located in an established domain, motif, hotspot or informative constraint region. (I) 0705 - No comparable missense variants have previous evidence for pathogenicity. (I) 0807 - This variant has no previous evidence of pathogenicity. (I) 0905 - No published segregation evidence has been identified for this variant. (I) 1007 - No published functional evidence has been identified for this variant. (I) 1208 - Inheritance information for this variant is not currently available in this individual. (I) Legend: (SP) - Supporting pathogenic, (I) - Information, (SB) - Supporting benign